The following is an entry in ClinVar:

ClinVar aggregate classification (germline): Uncertain significance (1 of 4 stars; one submission).

Submission:

Women's Health and Genetics/Laboratory Corporation of America, LabCorp
Classification: Uncertain significance. Last evaluated: 2025-05-06. Review status: criteria provided, single submitter. Criteria: LabCorp Variant Classification Summary - May 2015. Collection method: clinical testing. Allele origin: germline.
Comment: Variant summary: POLG c.2663G>T (p.Gly888Val) results in a non-conservative amino acid change in the encoded protein sequence. Algorithms developed to predict the effect of missense changes on protein structure and function all suggest that this variant is likely to be disruptive. The variant was absent in 251228 control chromosomes. The available data on variant occurrences in the general population are insufficient to allow any conclusion about variant significance. To our knowledge, no occurrence of c.2663G>T in individuals affected with Mitochondrial DNA Depletion Syndrome - POLG Related and no experimental evidence demonstrating its impact on protein function have been reported. No submitters have cited clinical-significance assessments for this variant to ClinVar. Based on the evidence outlined above, the variant was classified as uncertain significance.

NM_002693.3(POLG):c.2663G>T (p.Gly888Val)

Gene: POLG (DNA polymerase gamma, catalytic subunit; minus strand). Cytogenetic location: 15q26.1.
Variant type: single nucleotide variant.
Coding change: c.2663G>T on transcript NM_002693.3 (MANE Select); coding-DNA position 2663, G replaced by T.
Protein change: p.Gly888Val; replaces glycine 888 with valine.
Molecular consequence: missense variant.
Genome position (GRCh38, 1-based): chr15:89,321,196, C>A on the plus strand (G>T on the coding strand, the complement: POLG is on the minus strand). VCF-style: chr15-89321196-C-A. GRCh37 (hg19) VCF-style: chr15-89864427-C-A.
Other names: c.2663G>T, p.Gly888Val (NM_001126131.2); short protein forms G888V.
Identifiers: ClinVar variation 3902452 (VCV003902452.1).